The following is an entry in ClinVar:

ClinVar aggregate classification (germline): Likely benign (1 of 4 stars; one submission).

Allele frequency attached by ClinVar (database versions not stated): gnomAD exomes 0.00001.
gnomAD v4.1: 12 of 1,613,738 alleles (0.00074%); highest among the groups gnomAD compares: Non-Finnish European, 0.00093%; no homozygotes.

Submission:

GeneDx
Classification: Likely benign. Last evaluated: 2016-05-03. Review status: criteria provided, single submitter. Criteria: GeneDx Variant Classification (06012015). Collection method: clinical testing. Allele origin: germline. Affected: yes.
Comment: This variant is considered likely benign or benign based on one or more of the following criteria: it is a conservative change, it occurs at a poorly conserved position in the protein, it is predicted to be benign by multiple in silico algorithms, and/or has population frequency not consistent with disease.

NM_006416.5(SLC35A1):c.949A>C (p.Arg317=)

Gene: SLC35A1 (solute carrier family 35 member A1; plus strand). Cytogenetic location: 6q15.
Variant type: single nucleotide variant.
Coding change: c.949A>C on transcript NM_006416.5 (MANE Select); coding-DNA position 949, A replaced by C.
Protein change: p.Arg317=; no amino-acid change (arginine 317 retained).
Molecular consequence: synonymous variant.
Genome position (GRCh38, 1-based): chr6:87,511,461, A>C. VCF-style: chr6-87511461-A-C. GRCh37 (hg19) VCF-style: chr6-88221179-A-C.
Other names: c.772A>C, p.Arg258= (NM_001168398.2).
Identifiers: ClinVar variation 385412 (VCV000385412.1), dbSNP rs1057522218, ClinGen allele CA16605093.